The following is an entry in ClinVar:

NM_001267550.2(TTN):c.98118T>C (p.Leu32706=)

Genes: TTN (titin; minus strand), TTN-AS1 (TTN antisense RNA 1; plus strand). Cytogenetic location: 2q31.2.
Variant type: single nucleotide variant.
Coding change: c.98118T>C on transcript NM_001267550.2 (MANE Select); coding-DNA position 98118, T replaced by C.
Protein change: p.Leu32706=; no amino-acid change (leucine 32706 retained).
Molecular consequence: synonymous variant.
Genome position (GRCh38, 1-based): chr2:178,539,947, A>G on the plus strand (T>C on the coding strand, the complement: TTN is on the minus strand). VCF-style: chr2-178539947-A-G. GRCh37 (hg19) VCF-style: chr2-179404674-A-G.
Other names: c.93195T>C, p.Leu31065= (NM_001256850.1); c.70923T>C, p.Leu23641= (NM_003319.4); c.90414T>C, p.Leu30138= (NM_133378.4); c.71298T>C, p.Leu23766= (NM_133432.3); c.71499T>C, p.Leu23833= (NM_133437.4).
Identifiers: ClinVar variation 378831 (VCV000378831.23), dbSNP rs72648269, ClinGen allele CA1986421.
Genomic context (GRCh38, chr2:178,539,947, plus strand): 5'-TATGGTAAGTCTGATGACGCCACCTTGCCTTACAAAGATACCTTCTTGGTATCTTTCATC[A>G]AGTTCATAATCAGGATATTCTGGAAAAAAAGGTAGGGTTTCAATTTAGCATTTGGGGTAG-3'
Protein context (NP_001254479.2, residues 32696-32716): TEMLEYPDYE[Leu32706=]DERYQEGIFV

ClinVar aggregate classification (germline): Likely benign. Review status: criteria provided, multiple submitters, no conflicts (2 of 4 stars). 6 submissions from 6 submitters: Likely benign (6). Last evaluated 2026-02-03.

Conditions:
TTN-related disorder. Also called: TTN-related disorders; TTN-related condition; TTN-related disease.
Autosomal recessive limb-girdle muscular dystrophy type 2J (LGMDR10). Also called: Limb-girdle muscular dystrophy, type 2J; MUSCULAR DYSTROPHY, LIMB-GIRDLE, AUTOSOMAL RECESSIVE 10. Identifiers: Orphanet 140922, MedGen C1837342, MONDO:0012127, OMIM 608807.
Dilated cardiomyopathy 1G (CMD1G). Identifiers: Orphanet 154, MedGen C1858763, MONDO:0011400, OMIM 604145.
Cardiovascular phenotype. Identifiers: MedGen CN230736.

Allele frequency attached by ClinVar (database versions not stated): gnomAD 0.00023 and 0.00021; TOPMed 0.00023; ExAC 0.00002; gnomAD exomes 0.00002; ESP Exome Variant Server 0.00008.
gnomAD v4.1: 59 of 1,613,404 alleles (0.0037%); highest among the groups gnomAD compares: African/African-American, 0.071%; no homozygotes.

Submissions (6):

Labcorp Genetics (formerly Invitae), Labcorp
Classification: Likely benign for Dilated cardiomyopathy 1G; Autosomal recessive limb-girdle muscular dystrophy type 2J. Last evaluated: 2026-02-03. Review status: criteria provided, single submitter. Criteria: Invitae Variant Classification Sherloc (09022015). Collection method: clinical testing. Allele origin: germline.

PreventionGenetics, part of Exact Sciences
Classification: Likely benign for TTN-related condition. Last evaluated: 2025-10-01. Review status: criteria provided, single submitter. Criteria: ACMG Guidelines, 2015. Collection method: clinical testing. Allele origin: germline.
Comment: This variant is classified as likely benign based on ACMG/AMP sequence variant interpretation guidelines (Richards et al. 2015 PMID: 25741868, with internal and published modifications).

GeneDx
Classification: Likely benign. Last evaluated: 2021-04-26. Review status: criteria provided, single submitter. Criteria: GeneDx Variant Classification Process June 2021. Collection method: clinical testing. Allele origin: germline. Affected: yes.

ARUP Laboratories, Molecular Genetics and Genomics, ARUP Laboratories
Classification: Likely benign. Last evaluated: 2020-01-16. Review status: criteria provided, single submitter. Criteria: ARUP Molecular Germline Variant Investigation Process. Collection method: clinical testing. Allele origin: germline.

Ambry Genetics
Classification: Likely benign for Cardiovascular phenotype. Last evaluated: 2019-06-19. Review status: criteria provided, single submitter. Criteria: Ambry Variant Classification Scheme 2023. Collection method: clinical testing. Allele origin: germline.

Breakthrough Genomics
Classification: Likely benign. Review status: criteria provided, single submitter. Criteria: ACMG Guidelines, 2015. Collection method: not provided. Allele origin: germline. Inheritance: Autosomal recessive inheritance. Affected: yes.